The following is an entry in ClinVar:

NM_001323289.2(CDKL5):c.52dup (p.Val18fs)

Gene: CDKL5 (cyclin dependent kinase like 5; plus strand). Cytogenetic location: Xp22.13.
Variant type: Duplication.
Coding change: c.52dup on transcript NM_001323289.2 (MANE Select); coding-DNA position 52, one base duplicated (G; older notation c.52dupG).
Protein change: p.Val18fs; shifts the reading frame from valine 18.
Molecular consequence: frameshift variant.
Genome position (GRCh38, 1-based): chrX:18,507,148, G duplicated; the last of 4 consecutive G bases (chrX:18,507,145-18,507,148); duplicating any one gives the same sequence. VCF-style (leftmost placement, unchanged base first): chrX-18507144-T-TG. GRCh37 (hg19) VCF-style: chrX-18525264-T-TG.
Other names: c.52dup, p.Val18fs (NM_001037343.2, NM_003159.3); short protein forms V18fs.
Identifiers: ClinVar variation 3773736 (VCV003773736.2).

ClinVar aggregate classification (germline): Pathogenic (1 of 4 stars; one submission).

Conditions:
Developmental and epileptic encephalopathy, 2 (DEE2). Also called: CDKL5 deficiency disorder; INFANTILE SPASM SYNDROME, X-LINKED 2. Identifiers: Orphanet 1934, Orphanet 3451, Orphanet 505652, MedGen C4750718, MONDO:0010396, OMIM 300672.

Submission:

Institute of Human Genetics, University of Leipzig Medical Center
Classification: Pathogenic for Developmental and epileptic encephalopathy, 2. Last evaluated: 2025-03-04. Review status: criteria provided, single submitter. Criteria: ACMG Guidelines, 2015. Collection method: clinical testing. Allele origin: de novo. Inheritance: X-linked dominant inheritance. Affected: yes.
Comment: Criteria applied: PVS1,PS2_MOD,PM2